The following is an entry in ClinVar:

NM_024652.6(LRRK1):c.2146G>T (p.Asp716Tyr)

Gene: LRRK1 (leucine rich repeat kinase 1; plus strand). Cytogenetic location: 15q26.3.
Variant type: single nucleotide variant.
Coding change: c.2146G>T on transcript NM_024652.6 (MANE Select); coding-DNA position 2146, G replaced by T.
Protein change: p.Asp716Tyr; replaces aspartic acid 716 with tyrosine.
Molecular consequence: missense variant.
Genome position (GRCh38, 1-based): chr15:101,024,881, G>T. VCF-style: chr15-101024881-G-T. GRCh37 (hg19) VCF-style: chr15-101565086-G-T.
Other names: short protein forms D716Y.
Identifiers: ClinVar variation 1907225 (VCV001907225.5), dbSNP rs758131541, ClinGen allele CA275633884.

ClinVar aggregate classification (germline): Uncertain significance (1 of 4 stars; one submission).

gnomAD v4.1: 9 of 1,614,178 alleles (0.00056%); highest among the groups gnomAD compares: Non-Finnish European, 0.00076%; no homozygotes.

Submission:

Labcorp Genetics (formerly Invitae), Labcorp
Classification: Uncertain significance. Last evaluated: 2022-04-23. Review status: criteria provided, single submitter. Criteria: Invitae Variant Classification Sherloc (09022015). Collection method: clinical testing. Allele origin: germline.
Comment: In summary, the available evidence is currently insufficient to determine the role of this variant in disease. Therefore, it has been classified as a Variant of Uncertain Significance. Algorithms developed to predict the effect of missense changes on protein structure and function are either unavailable or do not agree on the potential impact of this missense change (SIFT: "Deleterious"; PolyPhen-2: "Probably Damaging"; Align-GVGD: "Class C0"). This variant has not been reported in the literature in individuals affected with LRRK1-related conditions. This variant is not present in population databases (gnomAD no frequency). This sequence change replaces aspartic acid, which is acidic and polar, with tyrosine, which is neutral and polar, at codon 716 of the LRRK1 protein (p.Asp716Tyr).